The following is an entry in ClinVar:

ClinVar aggregate classification (germline): Uncertain significance (1 of 4 stars; one submission).

Submission:

Labcorp Genetics (formerly Invitae), Labcorp
Classification: Uncertain significance. Last evaluated: 2022-04-30. Review status: criteria provided, single submitter. Criteria: Invitae Variant Classification Sherloc (09022015). Collection method: clinical testing. Allele origin: germline.
Comment: Advanced modeling of protein sequence and biophysical properties (such as structural, functional, and spatial information, amino acid conservation, physicochemical variation, residue mobility, and thermodynamic stability) performed at Invitae indicates that this missense variant is not expected to disrupt RERE protein function. In summary, the available evidence is currently insufficient to determine the role of this variant in disease. Therefore, it has been classified as a Variant of Uncertain Significance. This sequence change replaces asparagine, which is neutral and polar, with lysine, which is basic and polar, at codon 183 of the RERE protein (p.Asn183Lys). This variant is not present in population databases (gnomAD no frequency). This variant has not been reported in the literature in individuals affected with RERE-related conditions.

NM_001042681.2(RERE):c.549C>A (p.Asn183Lys)

Gene: RERE (arginine-glutamic acid dipeptide repeats; minus strand). Cytogenetic location: 1p36.23.
Variant type: single nucleotide variant.
Coding change: c.549C>A on transcript NM_001042681.2 (MANE Select); coding-DNA position 549, C replaced by A.
Protein change: p.Asn183Lys; replaces asparagine 183 with lysine.
Molecular consequence: missense variant.
Genome position (GRCh38, 1-based): chr1:8,557,497, G>T on the plus strand (C>A on the coding strand, the complement: RERE is on the minus strand). VCF-style: chr1-8557497-G-T. GRCh37 (hg19) VCF-style: chr1-8617556-G-T.
Other names: c.549C>A, p.Asn183Lys (NM_012102.4); short protein forms N183K.
Identifiers: ClinVar variation 2045464 (VCV002045464.4), dbSNP rs772316650, ClinGen allele CA338225180.
Genomic context (GRCh38, chr1:8,557,497, plus strand): 5'-CTGAACCAAATGCTGATACACAGAATCTGGAACCTCAGATTGACGGTAGTACCATTTGAC[G>T]TTCATGAGGAGATGGTCCCTCTTACTCTGAAAAGGAAAATCTAACAGCATTAGGAACAGG-3'
Protein context (NP_001036146.1, residues 173-193): VGSKRDHLLM[Asn183Lys]VKWYYRQSEV